The following is an entry in ClinVar:

ClinVar aggregate classification (germline): Uncertain significance. Review status: criteria provided, single submitter (1 of 4 stars). 2 submissions from 2 submitters: Uncertain significance (1). 1 of the submissions does not count toward it. Last evaluated 2026-01-12.

Conditions:
SH2B1-related disorder. Also called: SH2B1-related condition.

Allele frequency attached by ClinVar (database versions not stated): gnomAD 0.00011; ExAC 0.00014; TOPMed 0.00015.

Submissions (2):

Labcorp Genetics (formerly Invitae), Labcorp
Classification: Uncertain significance. Last evaluated: 2026-01-12. Review status: criteria provided, single submitter. Criteria: Invitae Variant Classification Sherloc (09022015). Collection method: clinical testing. Allele origin: germline.
Comment: This sequence change replaces arginine, which is basic and polar, with tryptophan, which is neutral and slightly polar, at codon 270 of the SH2B1 protein (p.Arg270Trp). This variant is present in population databases (rs561413284, gnomAD 0.2%), and has an allele count higher than expected for a pathogenic variant. This missense change has been observed in individual(s) with obesity or maturity-onset diabetes of the young (MODY) (PMID: 27185633, 29180441, 31439647). ClinVar contains an entry for this variant (Variation ID: 1408351). An algorithm developed to predict the effect of missense changes on protein structure and function (PolyPhen-2) suggests that this variant is likely to be tolerated. Experimental studies have shown that this missense change affects SH2B1 function (PMID: 31439647). In summary, the available evidence is currently insufficient to determine the role of this variant in disease. Therefore, it has been classified as a Variant of Uncertain Significance.

PreventionGenetics, part of Exact Sciences
Classification: Likely benign for SH2B1-related condition. Last evaluated: 2023-02-08. Review status: no assertion criteria provided. Collection method: clinical testing. Allele origin: germline. Not counted in ClinVar's aggregate classification.
Comment: This variant is classified as likely benign based on ACMG/AMP sequence variant interpretation guidelines (Richards et al. 2015 PMID: 25741868, with internal and published modifications).

Literature cited by the submitters: PubMed 27185633 (cited by Labcorp Genetics (formerly Invitae), Labcorp); PubMed 29180441 (cited by Labcorp Genetics (formerly Invitae), Labcorp); PubMed 31439647 (cited by Labcorp Genetics (formerly Invitae), Labcorp).

NM_001387430.1(SH2B1):c.808C>T (p.Arg270Trp)

Gene: SH2B1 (SH2B adaptor protein 1; plus strand). Cytogenetic location: 16p11.2.
Variant type: single nucleotide variant.
Coding change: c.808C>T on transcript NM_001387430.1 (MANE Select); coding-DNA position 808, C replaced by T.
Protein change: p.Arg270Trp; replaces arginine 270 with tryptophan.
Molecular consequence: missense variant. On other transcripts: intron variant (1).
Genome position (GRCh38, 1-based): chr16:28,866,902, C>T. VCF-style: chr16-28866902-C-T. GRCh37 (hg19) VCF-style: chr16-28878223-C-T.
Other names: c.808C>T, p.Arg270Trp (NM_001145795.2, NM_001145796.2, NM_001145797.2 and 4 more transcripts); c.-26-472C>T (NM_001308294.2); c.808C>T (NM_001145795.1); short protein forms R270W.
Identifiers: ClinVar variation 1408351 (VCV001408351.10), dbSNP rs561413284, ClinGen allele CA7986007.